The following is an entry in ClinVar:

ClinVar aggregate classification (germline): Uncertain significance (1 of 4 stars; one submission).

Conditions:
Hereditary cancer-predisposing syndrome. Also called: Neoplastic Syndromes, Hereditary; Tumor predisposition; Hereditary neoplastic syndrome; Hereditary Cancer Syndrome. Identifiers: Orphanet 140162, MedGen C0027672, MeSH D009386, MONDO:0015356.

Submission:

Ambry Genetics
Classification: Uncertain significance for Hereditary cancer-predisposing syndrome. Last evaluated: 2026-07-07. Review status: criteria provided, single submitter. Criteria: Ambry Variant Classification Scheme 2023. Collection method: clinical testing. Allele origin: germline.
Comment: The p.W111C variant (also known as c.333G>C), located in coding exon 1 of the AXIN2 gene, results from a G to C substitution at nucleotide position 333. The tryptophan at codon 111 is replaced by cysteine, an amino acid with highly dissimilar properties. This amino acid position is conserved. In addition, this alteration is predicted to be deleterious by in silico analysis. Based on the available evidence, the clinical significance of this variant remains unclear.

NM_004655.4(AXIN2):c.333G>C (p.Trp111Cys)

Gene: AXIN2 (axin 2; minus strand). Cytogenetic location: 17q24.1.
Variant type: single nucleotide variant.
Coding change: c.333G>C on transcript NM_004655.4 (MANE Select); coding-DNA position 333, G replaced by C.
Protein change: p.Trp111Cys; replaces tryptophan 111 with cysteine.
Molecular consequence: missense variant.
Genome position (GRCh38, 1-based): chr17:65,558,288, C>G on the plus strand (G>C on the coding strand, the complement: AXIN2 is on the minus strand). VCF-style: chr17-65558288-C-G. GRCh37 (hg19) VCF-style: chr17-63554406-C-G.
Other names: c.333G>C, p.Trp111Cys (NM_001363813.1); short protein forms W111C.
Identifiers: ClinVar variation 5032656 (VCV005032656.1).
Genomic context (GRCh38, chr17:65,558,288, plus strand): 5'-GGCTACTCGTAAAGTTTTGGTATCCTTCAGGTTCATCTGCCTGAATCCATTGCAGGCAAA[C>G]CAGAAGTCTAAGGTATCCACGCATTTCTCCCTCTCCAGGAAAGTTCGGAACAGGTAAGCA-3'
Protein context (NP_004646.3, residues 101-121): REKCVDTLDF[Trp111Cys]FACNGFRQMN